The following is an entry in ClinVar:

ClinVar aggregate classification (germline): Uncertain significance (1 of 4 stars; one submission).

Submission:

Labcorp Genetics (formerly Invitae), Labcorp
Classification: Uncertain significance. Last evaluated: 2025-10-01. Review status: criteria provided, single submitter. Criteria: Invitae Variant Classification Sherloc (09022015). Collection method: clinical testing. Allele origin: germline.
Comment: This sequence change replaces methionine, which is neutral and non-polar, with threonine, which is neutral and polar, at codon 219 of the GATA5 protein (p.Met219Thr). The frequency data for this variant in the population databases is considered unreliable, as metrics indicate poor data quality at this position in the gnomAD database. This variant has not been reported in the literature in individuals affected with GATA5-related conditions. Invitae Evidence Modeling of protein sequence and biophysical properties (such as structural, functional, and spatial information, amino acid conservation, physicochemical variation, residue mobility, and thermodynamic stability) has been performed for this missense variant. However, the output from this modeling did not meet the statistical confidence thresholds required to predict the impact of this variant on GATA5 protein function. In summary, the available evidence is currently insufficient to determine the role of this variant in disease. Therefore, it has been classified as a Variant of Uncertain Significance.

NM_080473.5(GATA5):c.656T>C (p.Met219Thr)

Gene: GATA5 (GATA binding protein 5; minus strand). Cytogenetic location: 20q13.33.
Variant type: single nucleotide variant.
Coding change: c.656T>C on transcript NM_080473.5 (MANE Select); coding-DNA position 656, T replaced by C.
Protein change: p.Met219Thr; replaces methionine 219 with threonine.
Molecular consequence: missense variant.
Genome position (GRCh38, 1-based): chr20:62,473,446, A>G on the plus strand (T>C on the coding strand, the complement: GATA5 is on the minus strand). VCF-style: chr20-62473446-A-G. GRCh37 (hg19) VCF-style: chr20-61048502-A-G.
Other names: short protein forms M219T.
Identifiers: ClinVar variation 4776573 (VCV004776573.1).